The following is an entry in ClinVar:

ClinVar aggregate classification (germline): Conflicting classifications of pathogenicity. Review status: criteria provided, conflicting classifications (1 of 4 stars). 13 submissions from 13 submitters: Uncertain significance (10); Likely benign (3). Last evaluated 2026-05-01.

Conditions:
SDHA-related disorder. Also called: SDHA-related disorders; SDHA-related condition.
Mitochondrial complex II deficiency, nuclear type 1. Also called: SUCCINATE CoQ REDUCTASE DEFICIENCY. Identifiers: Orphanet 3208, MedGen C5700310, MONDO:0100294, OMIM 252011.
Pheochromocytoma/paraganglioma syndrome 5. Also called: Paragangliomas 5; SDHA-Related Hereditary Paraganglioma-Pheochromocytoma Syndrome. Identifiers: Orphanet 29072, MedGen C3279992, MONDO:0013602, OMIM 614165.
Leigh syndrome (NULS). Also called: Leigh's syndrome; Leigh Syndrome (mtDNA deletion); Leigh Disease; Subacute necrotizing encephalopathy; Necrotizing encephalopathy infantile subacute of Leigh; LEIGH SYNDROME, NUCLEAR. Identifiers: Orphanet 506, MedGen C2931891, MONDO:0009723, OMIM 256000.
Dilated cardiomyopathy 1GG (CMD1GG). Identifiers: Orphanet 154, MedGen C3150898, MONDO:0013339, OMIM 613642.
Hereditary cancer-predisposing syndrome. Also called: Neoplastic Syndromes, Hereditary; Tumor predisposition; Hereditary Cancer Syndrome; Hereditary neoplastic syndrome. Identifiers: Orphanet 140162, MedGen C0027672, MeSH D009386, MONDO:0015356.

Allele frequency attached by ClinVar (database versions not stated): ESP Exome Variant Server 0.00015; gnomAD exomes 0.00015; ExAC 0.00016; gnomAD 0.00016; TOPMed 0.00016.
gnomAD v4.1: 272 of 1,614,078 alleles (0.017%); highest among the groups gnomAD compares: Non-Finnish European, 0.022%; no homozygotes.

Submissions (13):

PreventionGenetics, part of Exact Sciences
Classification: Uncertain significance for SDHA-related condition. Last evaluated: 2026-05-01. Review status: criteria provided, single submitter. Criteria: ACMG Guidelines, 2015. Collection method: clinical testing. Allele origin: germline.
Comment: The SDHA c.955A>C variant is predicted to result in the amino acid substitution p.Ile319Leu. This variant has been reported in an individual with pheochromocytoma/paraganglioma who was also positive for an additional pathogenic variant in RET (Supplementary Data 1, Ben Aim et al 2019. PubMed ID: 30877234) and in an individual from a cohort study of patients with hereditary breast cancer (Table S4, Sandoval et al. 2021. PubMed ID: 33606809). This variant was reported as as benign in a functional analysis of clinically-relevant SDHA variants (Supplemental Table 3, Kent et al. 2024. PubMed ID: 39321216). This variant is reported in 0.029% of alleles in individuals of European (Non-Finnish) descent in gnomAD. This variant has been reported by multiple laboratories, ranging from uncertain to likely benign (Variation ID: 412364). At this time, the clinical significance of this variant is uncertain due to the absence of conclusive functional and genetic evidence.

GeneDx
Classification: Uncertain significance. Last evaluated: 2026-04-12. Review status: criteria provided, single submitter. Criteria: GeneDx Variant Classification Process June 2021. Collection method: clinical testing. Allele origin: germline.
Comment: Reported in an individual with paraganglioma/pheochromocytoma and in an individual with breast cancer (PMID: 30877234, 33606809); In silico analysis suggests that this missense variant does not alter protein structure/function; This variant is associated with the following publications: (PMID: 33606809, 30877234, 38473309, 41627790, 39321216)

Women's Health and Genetics/Laboratory Corporation of America, LabCorp
Classification: Uncertain significance. Last evaluated: 2026-03-25. Review status: criteria provided, single submitter. Criteria: LabCorp Variant Classification Summary - May 2015. Collection method: clinical testing. Allele origin: germline.
Comment: Variant summary: SDHA c.955A>C (p.Ile319Leu) results in a conservative amino acid change in the encoded protein sequence. Algorithms developed to predict the effect of missense changes on protein structure and function are either unavailable or do not agree on the potential impact of this missense change. The variant allele was found at a frequency of 0.00015 in 251496 control chromosomes. This frequency is not significantly higher than estimated for disease-causing variants in SDHA, allowing no conclusion about variant significance. c.955A>C has been observed in individual(s) affected with clinical features of autosomal dominant SDHA-Related Disorders, however in at least 1 proband an alternate cause for disease was present (RET pathogenic variant, e.g. BenAim_2019, internal data). These report(s) do not provide unequivocal conclusions about association of the variant with SDHA-Related Disorders. At least one publication reports experimental evidence evaluating an impact on protein function in an in vitro HAP1 cell line lacking endogenous background SDHA expression. These results showed this variant was able to complement SDHA activity at or near wild type levels (example, Kent_2024), supporting a benign impact. The following publications have been ascertained in the context of this evaluation (PMID: 38473309, 32321774, 39321216, 33606809, 30877234). ClinVar contains an entry for this variant (Variation ID: 412364). Based on the evidence outlined above, the variant was classified as uncertain significance.

Labcorp Genetics (formerly Invitae), Labcorp
Classification: Uncertain significance for Pheochromocytoma/paraganglioma syndrome 5; Mitochondrial complex II deficiency, nuclear type 1. Last evaluated: 2026-01-31. Review status: criteria provided, single submitter. Criteria: Invitae Variant Classification Sherloc (09022015). Collection method: clinical testing. Allele origin: germline.
Comment: This sequence change replaces isoleucine, which is neutral and non-polar, with leucine, which is neutral and non-polar, at codon 319 of the SDHA protein (p.Ile319Leu). This variant is present in population databases (rs377509915, gnomAD 0.03%). This missense change has been observed in individual(s) with clinical features of SDHA-related conditions (PMID: 33606809; internal data). ClinVar contains an entry for this variant (Variation ID: 412364). Invitae Evidence Modeling of protein sequence and biophysical properties (such as structural, functional, and spatial information, amino acid conservation, physicochemical variation, residue mobility, and thermodynamic stability) indicates that this missense variant is not expected to disrupt SDHA protein function with a negative predictive value of 95%. In summary, the available evidence is currently insufficient to determine the role of this variant in disease. Therefore, it has been classified as a Variant of Uncertain Significance.

Center for Genomic Medicine, Rigshospitalet, Copenhagen University Hospital
Classification: Uncertain significance. Last evaluated: 2025-03-04. Review status: criteria provided, single submitter. Criteria: ACMG Guidelines, 2015. Collection method: clinical testing. Allele origin: germline.

Myriad Genetics, Inc.
Classification: Likely benign for Pheochromocytoma/paraganglioma syndrome 5. Last evaluated: 2025-03-04. Review status: criteria provided, single submitter. Criteria: Myriad Autosomal Dominant, Autosomal Recessive and X-Linked Classification Criteria (2023). Collection method: clinical testing. Allele origin: unknown.
Comment: This variant is considered likely benign. This variant has been observed at a population frequency that is significantly greater than expected given the associated disease prevalence and penetrance.

Ambry Genetics
Classification: Uncertain significance for Hereditary cancer-predisposing syndrome. Last evaluated: 2025-01-31. Review status: criteria provided, single submitter. Criteria: Ambry Variant Classification Scheme 2023. Collection method: clinical testing. Allele origin: germline.
Comment: The p.I319L variant (also known as c.955A>C), located in coding exon 8 of the SDHA gene, results from an A to C substitution at nucleotide position 955. The isoleucine at codon 319 is replaced by leucine, an amino acid with highly similar properties. This alteration was also detected in 1/224 unrelated Brazilian individuals diagnosed with breast cancer (Sandoval RL et al. PLoS One, 2021 Feb;16:e0247363). This amino acid position is highly conserved in available vertebrate species. In addition, this alteration is predicted to be tolerated by in silico analysis. Based on the available evidence, the clinical significance of this variant remains unclear.

Baylor Genetics
Classification: Uncertain significance for Dilated cardiomyopathy 1GG. Last evaluated: 2024-03-24. Review status: criteria provided, single submitter. Criteria: ACMG Guidelines, 2015. Collection method: clinical testing. Allele origin: unknown.

Quest Diagnostics Nichols Institute San Juan Capistrano
Classification: Likely benign. Last evaluated: 2023-06-19. Review status: criteria provided, single submitter. Criteria: Quest Diagnostics criteria. Collection method: clinical testing. Allele origin: unknown.

Institute for Clinical Genetics, University Hospital TU Dresden, University Hospital TU Dresden
Classification: Uncertain significance. Last evaluated: 2021-11-03. Review status: criteria provided, single submitter. Criteria: ACMG Guidelines, 2015. Collection method: clinical testing. Allele origin: germline.

Sema4
Classification: Likely benign for Hereditary cancer-predisposing syndrome. Last evaluated: 2021-02-17. Review status: criteria provided, single submitter. Criteria: Sema4 Curation Guidelines. Collection method: curation. Allele origin: germline.

Genetic Services Laboratory, University of Chicago
Classification: Uncertain significance. Last evaluated: 2020-03-02. Review status: criteria provided, single submitter. Criteria: ACMG Guidelines, 2015. Collection method: clinical testing. Allele origin: germline. Affected: no.
Comment: DNA sequence analysis of the SDHA gene demonstrated a sequence change, c.955A>C, in exon 8 that results in an amino acid change, p.Ile319Leu. This sequence change has previously been described in a patient with pheochromocytoma in a heterozygous state; this patient also carried a pathogenic missense change in the RET gene (PMID: 30877234). This sequence change has been described in the gnomAD database with a population frequency of 0.029% in non-Finnish European population (dbSNP rs377509915). The p.Ile319Leu change affects a highly conserved amino acid residue located in a domain of the SDHA protein that is known to be functional. In-silico pathogenicity prediction tools (SIFT, PolyPhen2, Align GVGD, REVEL) provide contradictory results for the p.Ile319Leu substitution. Due to these contrasting evidences and the lack of functional studies, the clinical significance of the p.Ile319Leu change remains unknown at this time.

Fulgent Genetics
Classification: Uncertain significance for Mitochondrial complex II deficiency, nuclear type 1; Leigh syndrome; Dilated cardiomyopathy 1GG; Pheochromocytoma/paraganglioma syndrome 5. Last evaluated: 2018-10-31. Review status: criteria provided, single submitter. Criteria: ACMG Guidelines, 2015. Collection method: clinical testing. Allele origin: unknown.

Literature cited by the submitters: PubMed 33606809 (cited by 4 submitters); PubMed 30877234 (cited by 3 submitters); PubMed 39321216 (cited by Women's Health and Genetics/Laboratory Corporation of America, LabCorp); PubMed 32321774 (cited by Women's Health and Genetics/Laboratory Corporation of America, LabCorp); PubMed 38473309 (cited by Women's Health and Genetics/Laboratory Corporation of America, LabCorp).

NM_004168.4(SDHA):c.955A>C (p.Ile319Leu)

Gene: SDHA (succinate dehydrogenase complex flavoprotein subunit A; plus strand). Cytogenetic location: 5p15.33.
Variant type: single nucleotide variant.
Coding change: c.955A>C on transcript NM_004168.4 (MANE Select); coding-DNA position 955, A replaced by C.
Protein change: p.Ile319Leu; replaces isoleucine 319 with leucine.
Molecular consequence: missense variant.
Genome position (GRCh38, 1-based): chr5:233,536, A>C. VCF-style: chr5-233536-A-C. GRCh37 (hg19) VCF-style: chr5-233651-A-C.
Other names: c.811A>C, p.Ile271Leu (NM_001294332.2); c.955A>C, p.Ile319Leu (NM_001330758.2); short protein forms I319L, I271L.
Identifiers: ClinVar variation 412364 (VCV000412364.32), dbSNP rs377509915, ClinGen allele CA3173042.